The following is an entry in ClinVar:

NM_004991.4(MECOM):c.2382C>A (p.Asn794Lys)

Gene: MECOM (MDS1 and EVI1 complex locus; minus strand). Cytogenetic location: 3q26.2.
Variant type: single nucleotide variant.
Coding change: c.2382C>A on transcript NM_004991.4 (MANE Select); coding-DNA position 2382, C replaced by A.
Protein change: p.Asn794Lys; replaces asparagine 794 with lysine.
Molecular consequence: missense variant.
Genome position (GRCh38, 1-based): chr3:169,115,490, G>T on the plus strand (C>A on the coding strand, the complement: MECOM is on the minus strand). VCF-style: chr3-169115490-G-T. GRCh37 (hg19) VCF-style: chr3-168833278-G-T.
Other names: c.2013C>A, p.Asn671Lys (NM_001105077.4); c.1818C>A, p.Asn606Lys (NM_001105078.4, NM_001164000.2, NM_001205194.2 and 4 more transcripts); c.1821C>A, p.Asn607Lys (NM_001163999.2, NM_001366467.2, NM_001366468.2 and 1 more transcripts); c.2382C>A, p.Asn794Lys (NM_001366466.2); c.1410C>A, p.Asn470Lys (NM_001366473.2); c.846C>A, p.Asn282Lys (NM_001366474.2); short protein forms N282K, N470K, N671K, N794K, N606K, N607K.
Identifiers: ClinVar variation 3871654 (VCV003871654.1).
Genomic context (GRCh38, chr3:169,115,490, plus strand): 5'-GGAACCATCTGAAGCAGGTCTTGATTCGACGTTGCTTCCTTTTTTTCCCCCAAACACGTG[G>T]TTTTTTCGAGGCTCAGTCAGCTTTGTCCCACTGGCTCTACTCCTACTGCCCATACTTAGA-3'
Protein context (NP_004982.2, residues 784-804): SGTKLTEPRK[Asn794Lys]HVFGGKKGSN

ClinVar aggregate classification (germline): Uncertain significance (1 of 4 stars; one submission).

Conditions:
Inborn genetic diseases. Identifiers: MedGen C0950123, MeSH D030342.

gnomAD v4.1: 5 of 1,614,092 alleles (0.00031%); highest among the groups gnomAD compares: Admixed American, 0.005%; no homozygotes.

Submission:

Ambry Genetics
Classification: Uncertain significance for Inborn genetic diseases. Last evaluated: 2025-01-02. Review status: criteria provided, single submitter. Criteria: Ambry Variant Classification Scheme 2023. Collection method: clinical testing. Allele origin: germline.
Comment: The p.N794K variant (also known as c.2382C>A), located in coding exon 8 of the MECOM gene, results from a C to A substitution at nucleotide position 2382. The asparagine at codon 794 is replaced by lysine, an amino acid with similar properties. This amino acid position is conserved. In addition, this alteration is predicted to be tolerated by in silico analysis. Based on the available evidence, the clinical significance of this variant remains unclear.